The following is an entry in ClinVar:

NM_006593.4(TBR1):c.1540C>G (p.Leu514Val)

Genes: TBR1 (T-box brain transcription factor 1; plus strand), LOC129935026 (ATAC-STARR-seq lymphoblastoid silent region 12060; plus strand). Cytogenetic location: 2q24.2.
Variant type: single nucleotide variant.
Coding change: c.1540C>G on transcript NM_006593.4 (MANE Select); coding-DNA position 1540, C replaced by G.
Protein change: p.Leu514Val; replaces leucine 514 with valine.
Molecular consequence: missense variant.
Genome position (GRCh38, 1-based): chr2:161,423,718, C>G. VCF-style: chr2-161423718-C-G. GRCh37 (hg19) VCF-style: chr2-162280229-C-G.
Other names: short protein forms L514V.
Identifiers: ClinVar variation 3804854 (VCV003804854.2).
Genomic context (GRCh38, chr2:161,423,718, plus strand): 5'-GACTTCGCGGCCTCGGCCTATGACACGGCCACGGACTTCGCGGGCAACGCGGCCACGCTG[C>G]TCTCTTACGCGGCGGCGGGCGTGAAGGCGCTGCCGCTGCAGGCTGCAGGCTGCACTGGCC-3'
Protein context (NP_006584.1, residues 504-524): TDFAGNAATL[Leu514Val]SYAAAGVKAL

ClinVar aggregate classification (germline): Uncertain significance. Review status: criteria provided, multiple submitters, no conflicts (2 of 4 stars). 2 submissions from 2 submitters: Uncertain significance (2). Last evaluated 2025-01-15.

Conditions:
Inborn genetic diseases. Identifiers: MedGen C0950123, MeSH D030342.

Submissions (2):

Ambry Genetics
Classification: Uncertain significance for Inborn genetic diseases. Last evaluated: 2025-01-15. Review status: criteria provided, single submitter. Criteria: Ambry Variant Classification Scheme 2023. Collection method: clinical testing. Allele origin: germline.

GeneDx
Classification: Uncertain significance. Last evaluated: 2024-11-20. Review status: criteria provided, single submitter. Criteria: GeneDx Variant Classification Process June 2021. Collection method: clinical testing. Allele origin: germline. Affected: yes.
Comment: Not observed at significant frequency in large population cohorts (gnomAD); In silico analysis indicates that this missense variant does not alter protein structure/function; Has not been previously published as pathogenic or benign to our knowledge